The following is an entry in ClinVar:

NM_025179.4(PLXNA2):c.973G>A (p.Ala325Thr)

Gene: PLXNA2 (plexin A2; minus strand). Cytogenetic location: 1q32.2.
Variant type: single nucleotide variant.
Coding change: c.973G>A on transcript NM_025179.4 (MANE Select); coding-DNA position 973, G replaced by A.
Protein change: p.Ala325Thr; replaces alanine 325 with threonine.
Molecular consequence: missense variant.
Genome position (GRCh38, 1-based): chr1:208,216,950, C>T on the plus strand (G>A on the coding strand, the complement: PLXNA2 is on the minus strand). VCF-style: chr1-208216950-C-T. GRCh37 (hg19) VCF-style: chr1-208390295-C-T.
Other names: short protein forms A325T.
Identifiers: ClinVar variation 3357992 (VCV003357992.2).

ClinVar aggregate classification (germline): Uncertain significance. Review status: criteria provided, single submitter (1 of 4 stars). 2 submissions from 2 submitters: Uncertain significance (1). 1 of the submissions does not count toward it. Last evaluated 2025-04-22.

Conditions:
PLXNA2-related disorder. Also called: PLXNA2-related condition.

gnomAD v4.1: 64 of 1,613,986 alleles (0.004%); highest among the groups gnomAD compares: Non-Finnish European, 0.0053%; no homozygotes.

Submissions (2):

Labcorp Genetics (formerly Invitae), Labcorp
Classification: Uncertain significance. Last evaluated: 2025-04-22. Review status: criteria provided, single submitter. Criteria: Invitae Variant Classification Sherloc (09022015). Collection method: clinical testing. Allele origin: germline.
Comment: This sequence change replaces alanine, which is neutral and non-polar, with threonine, which is neutral and polar, at codon 325 of the PLXNA2 protein (p.Ala325Thr). The frequency data for this variant in the population databases is considered unreliable, as metrics indicate poor data quality at this position in the gnomAD database. This variant has not been reported in the literature in individuals affected with PLXNA2-related conditions. ClinVar contains an entry for this variant (Variation ID: 3357992). An algorithm developed to predict the effect of missense changes on protein structure and function (PolyPhen-2) suggests that this variant is likely to be tolerated. In summary, the available evidence is currently insufficient to determine the role of this variant in disease. Therefore, it has been classified as a Variant of Uncertain Significance.

PreventionGenetics, part of Exact Sciences
Classification: Uncertain significance for PLXNA2-related condition. Last evaluated: 2024-05-10. Review status: no assertion criteria provided. Collection method: clinical testing. Allele origin: germline. Not counted in ClinVar's aggregate classification.
Comment: The PLXNA2 c.973G>A variant is predicted to result in the amino acid substitution p.Ala325Thr. To our knowledge, this variant has not been reported in the literature. This variant is reported in 0.0016% of alleles in individuals of European (Non-Finnish) descent in gnomAD. At this time, the clinical significance of this variant is uncertain due to the absence of conclusive functional and genetic evidence.